The following is an entry in ClinVar:

ClinVar aggregate classification (germline): Uncertain significance (1 of 4 stars; one submission).

Conditions:
Bethlem myopathy 1A. Also called: Bethlem Muscular Dystrophy; MYOPATHY, BENIGN CONGENITAL, WITH CONTRACTURES; Bethlem myopathy 1. Identifiers: Orphanet 610, MedGen CN029274, MONDO:0024530, OMIM 158810.

Allele frequency attached by ClinVar (database versions not stated): ExAC 0.00001; gnomAD exomes 0.00001 and below 0.00001.
gnomAD v4.1: 13 of 1,614,160 alleles (0.00081%); highest among the groups gnomAD compares: South Asian, 0.0011%; no homozygotes.

Submission:

Labcorp Genetics (formerly Invitae), Labcorp
Classification: Uncertain significance for Bethlem myopathy 1A. Last evaluated: 2020-06-22. Review status: criteria provided, single submitter. Criteria: Invitae Variant Classification Sherloc (09022015). Collection method: clinical testing. Allele origin: germline.
Comment: This variant has not been reported in the literature in individuals with COL6A3-related conditions. Algorithms developed to predict the effect of missense changes on protein structure and function are either unavailable or do not agree on the potential impact of this missense change (SIFT: "Tolerated"; PolyPhen-2: "Probably Damaging"; Align-GVGD: "Class C0"). In summary, the available evidence is currently insufficient to determine the role of this variant in disease. Therefore, it has been classified as a Variant of Uncertain Significance. This variant is present in population databases (rs771598463, ExAC 0.006%). This sequence change replaces valine with alanine at codon 1773 of the COL6A3 protein (p.Val1773Ala). The valine residue is moderately conserved and there is a small physicochemical difference between valine and alanine.

NM_004369.4(COL6A3):c.5318T>C (p.Val1773Ala)

Gene: COL6A3 (collagen type VI alpha 3 chain; minus strand). Cytogenetic location: 2q37.3.
Variant type: single nucleotide variant.
Coding change: c.5318T>C on transcript NM_004369.4 (MANE Select); coding-DNA position 5318, T replaced by C.
Protein change: p.Val1773Ala; replaces valine 1773 with alanine.
Molecular consequence: missense variant.
Genome position (GRCh38, 1-based): chr2:237,366,869, A>G on the plus strand (T>C on the coding strand, the complement: COL6A3 is on the minus strand). VCF-style: chr2-237366869-A-G. GRCh37 (hg19) VCF-style: chr2-238275512-A-G.
Other names: c.3497T>C, p.Val1166Ala (NM_057166.5); c.4700T>C, p.Val1567Ala (NM_057167.4); short protein forms V1773A, V1166A, V1567A.
Identifiers: ClinVar variation 1038465 (VCV001038465.9), dbSNP rs771598463, ClinGen allele CA2188696.